The following is an entry in ClinVar:

ClinVar aggregate classification (germline): Uncertain significance. Review status: criteria provided, multiple submitters, no conflicts (2 of 4 stars). 4 submissions from 4 submitters: Uncertain significance (4). Last evaluated 2025-11-16.

Conditions:
Colorectal cancer, susceptibility to, 1. Also called: COLORECTAL ADENOMA AND CANCER, SUSCEPTIBILITY TO; COLORECTAL CANCER, SUSCEPTIBILITY TO, ON CHROMOSOME 9. Identifiers: MedGen C1837315, MONDO:0012132, OMIM 608812.

Allele frequency attached by ClinVar (database versions not stated): TOPMed 0.00002.
gnomAD v4.1: 32 of 1,152,366 alleles (0.0028%); highest among the groups gnomAD compares: Middle Eastern, 0.037%; no homozygotes.

Submissions (4):

Labcorp Genetics (formerly Invitae), Labcorp
Classification: Uncertain significance. Last evaluated: 2025-11-16. Review status: criteria provided, single submitter. Criteria: Invitae Variant Classification Sherloc (09022015). Collection method: clinical testing. Allele origin: germline.
Comment: This sequence change replaces tryptophan, which is neutral and slightly polar, with serine, which is neutral and polar, at codon 2 of the GALNT12 protein (p.Trp2Ser). This variant is not present in population databases (gnomAD no frequency). This variant has not been reported in the literature in individuals affected with GALNT12-related conditions. ClinVar contains an entry for this variant (Variation ID: 826119). Experimental studies and prediction algorithms are not available or were not evaluated, and the functional significance of this variant is currently unknown. In summary, the available evidence is currently insufficient to determine the role of this variant in disease. Therefore, it has been classified as a Variant of Uncertain Significance.

Ambry Genetics
Classification: Uncertain significance. Last evaluated: 2025-04-20. Review status: criteria provided, single submitter. Criteria: Ambry Variant Classification Scheme 2023. Collection method: clinical testing. Allele origin: germline.
Comment: The p.W2S variant (also known as c.5G>C), located in coding exon 1 of the GALNT12 gene, results from a G to C substitution at nucleotide position 5. The tryptophan at codon 2 is replaced by serine, an amino acid with highly dissimilar properties. This amino acid position is poorly conserved on limited sequence alignment. In addition, this alteration is predicted to be tolerated by in silico analysis. Since supporting evidence is limited at this time, the clinical significance of this alteration remains unclear.

Fulgent Genetics
Classification: Uncertain significance for Colorectal cancer, susceptibility to, 1. Last evaluated: 2024-04-16. Review status: criteria provided, single submitter. Criteria: ACMG Guidelines, 2015. Collection method: clinical testing. Allele origin: germline.

Baylor Genetics
Classification: Uncertain significance for Colorectal cancer, susceptibility to, 1. Last evaluated: 2024-02-10. Review status: criteria provided, single submitter. Criteria: ACMG Guidelines, 2015. Collection method: clinical testing. Allele origin: unknown.

NM_024642.5(GALNT12):c.5G>C (p.Trp2Ser)

Gene: GALNT12 (polypeptide N-acetylgalactosaminyltransferase 12; plus strand). Cytogenetic location: 9q22.33.
Variant type: single nucleotide variant.
Coding change: c.5G>C on transcript NM_024642.5 (MANE Select); coding-DNA position 5, G replaced by C.
Protein change: p.Trp2Ser; replaces tryptophan 2 with serine.
Molecular consequence: missense variant.
Genome position (GRCh38, 1-based): chr9:98,807,703, G>C. VCF-style: chr9-98807703-G-C. GRCh37 (hg19) VCF-style: chr9-101569985-G-C.
Other names: short protein forms W2S.
Identifiers: ClinVar variation 826119 (VCV000826119.16), dbSNP rs898798901, ClinGen allele CA374221976.